The following is an entry in ClinVar:

ClinVar aggregate classification (germline): Uncertain significance (1 of 4 stars; one submission).

Allele frequency attached by ClinVar (database versions not stated): gnomAD exomes below 0.00001; gnomAD 0.00001; TOPMed 0.00001; ExAC 0.00002.

Submission:

GeneDx
Classification: Uncertain significance. Last evaluated: 2023-02-14. Review status: criteria provided, single submitter. Criteria: GeneDx Variant Classification Process June 2021. Collection method: clinical testing. Allele origin: germline. Affected: yes.
Comment: Frameshift variant predicted to result in protein elongation as the last 16 amino acids are replaced with 18 different amino acids, although loss-of-function variants have not been reported downstream of this position in the protein; Has not been previously published as pathogenic or benign to our knowledge

NM_014822.4(SEC24D):c.3048_3049insAA (p.Val1017fs)

Gene: SEC24D (SEC24 homolog D, COPII coat complex component; minus strand). Cytogenetic location: 4q26.
Variant type: Insertion.
Coding change: c.3048_3049insAA on transcript NM_014822.4 (MANE Select); coding-DNA positions 3048 to 3049, AA inserted.
Protein change: p.Val1017fs; shifts the reading frame from valine 1017.
Molecular consequence: frameshift variant.
Genome position: GRCh38 VCF-style: chr4-118723565-C-CTT. GRCh37 (hg19) VCF-style: chr4-119644720-C-CTT.
Other names: c.3051_3052insAA, p.Val1018fs (NM_001318066.2); short protein forms V1017fs, V1018fs.
Identifiers: ClinVar variation 2575857 (VCV002575857.1), dbSNP rs776306606, ClinGen allele CA3056786.
Genomic context (GRCh38, chr4:118,723,565, plus strand): 5'-GAAGTTTCAATTAATTAAGCAGCTGACAGATCTCCTTGTGAACACAACAAAGGAAATCCA[C>CTT]ATAAGAAGAGCCTCCGTAAAGTCCTTTGTCTTCTACCAGGAACTGTCGGAAAACCATTTC-3'